The following is an entry in ClinVar:

ClinVar aggregate classification (germline): Uncertain significance (1 of 4 stars; one submission).

Conditions:
Pyruvate dehydrogenase E3 deficiency (DLDD). Also called: MAPLE SYRUP URINE DISEASE, TYPE III; DLD DEFICIENCY; E3 DEFICIENCY; Lipoamide dehydrogenase deficiency; Lipoamide dehydrogenase deficiency, lactic acidosis due to; Dihydrolipoamide Dehydrogenase (E3) Deficiency. Identifiers: Orphanet 2394, Orphanet 765, MedGen C5574660, MONDO:0009529, OMIM 246900.

gnomAD v4.1: 2 of 1,614,152 alleles (0.00012%); highest among the groups gnomAD compares: Non-Finnish European, 0.00017%; no homozygotes.

Submission:

Labcorp Genetics (formerly Invitae), Labcorp
Classification: Uncertain significance for Pyruvate dehydrogenase E3 deficiency. Last evaluated: 2024-12-07. Review status: criteria provided, single submitter. Criteria: Invitae Variant Classification Sherloc (09022015). Collection method: clinical testing. Allele origin: germline.
Comment: This sequence change replaces histidine, which is basic and polar, with tyrosine, which is neutral and polar, at codon 364 of the DLD protein (p.His364Tyr). This variant is not present in population databases (gnomAD no frequency). This variant has not been reported in the literature in individuals affected with DLD-related conditions. Invitae Evidence Modeling of protein sequence and biophysical properties (such as structural, functional, and spatial information, amino acid conservation, physicochemical variation, residue mobility, and thermodynamic stability) indicates that this missense variant is expected to disrupt DLD protein function with a positive predictive value of 95%. In summary, the available evidence is currently insufficient to determine the role of this variant in disease. Therefore, it has been classified as a Variant of Uncertain Significance.

NM_000108.5(DLD):c.1090C>T (p.His364Tyr)

Gene: DLD (dihydrolipoamide dehydrogenase; plus strand). Cytogenetic location: 7q31.1.
Variant type: single nucleotide variant.
Coding change: c.1090C>T on transcript NM_000108.5 (MANE Select); coding-DNA position 1090, C replaced by T.
Protein change: p.His364Tyr; replaces histidine 364 with tyrosine.
Molecular consequence: missense variant.
Genome position (GRCh38, 1-based): chr7:107,917,316, C>T. VCF-style: chr7-107917316-C-T. GRCh37 (hg19) VCF-style: chr7-107557761-C-T.
Other names: c.793C>T, p.His265Tyr (NM_001289750.1); c.1021C>T, p.His341Tyr (NM_001289751.1); c.946C>T, p.His316Tyr (NM_001289752.1); short protein forms H316Y, H364Y, H341Y, H265Y.
Identifiers: ClinVar variation 3729154 (VCV003729154.2).